The following is an entry in ClinVar:

NM_014875.3(KIF14):c.1367+8G>A

Gene: KIF14 (kinesin family member 14; minus strand). Cytogenetic location: 1q32.1.
Variant type: single nucleotide variant.
Coding change: c.1367+8G>A on transcript NM_014875.3 (MANE Select); 8 bases into the intron after coding-DNA position 1367, G replaced by A.
Molecular consequence: intron variant.
Genome position (GRCh38, 1-based): chr1:200,615,347, C>T on the plus strand (G>A on the coding strand, the complement: KIF14 is on the minus strand). VCF-style: chr1-200615347-C-T. GRCh37 (hg19) VCF-style: chr1-200584475-C-T.
Other names: c.-19+8G>A (NM_001305792.1).
Identifiers: ClinVar variation 1652417 (VCV001652417.38), dbSNP rs114625312, ClinGen allele CA1317861.
Genomic context (GRCh38, chr1:200,615,347, plus strand): 5'-CCCTATGCCACTTCTCACAAAAGTATATTTAAACACTTCTGGATAATTGCATTTCCAATA[C>T]AACTTACGTATATGATTTTCCAGAGCCAGTCTGACCATAAGCAAAAAGACAGGTATTGAA-3'

ClinVar aggregate classification (germline): Benign. Review status: criteria provided, multiple submitters, no conflicts (2 of 4 stars). 3 submissions from 3 submitters: Benign (3). Last evaluated 2026-09-01.

Allele frequency attached by ClinVar (database versions not stated): 1000 Genomes Project 30x 0.00593; ESP Exome Variant Server 0.00923; 1000 Genomes Project 0.00579.
gnomAD v4.1: 20,467 of 1,606,212 alleles (1.3%); highest among the groups gnomAD compares: Middle Eastern, 2.5%; 151 homozygotes.

Submissions (3):

CeGaT Center for Human Genetics Tuebingen
Classification: Benign. Last evaluated: 2026-09-01. Review status: criteria provided, single submitter. Criteria: CeGaT Center For Human Genetics Tuebingen Variant Classification Criteria Version 2. Collection method: clinical testing. Allele origin: germline. Affected: yes. Observed: 50 variant alleles.
Comment: KIF14: BP4, BS1, BS2

Labcorp Genetics (formerly Invitae), Labcorp
Classification: Benign. Last evaluated: 2026-01-31. Review status: criteria provided, single submitter. Criteria: Invitae Variant Classification Sherloc (09022015). Collection method: clinical testing. Allele origin: germline.

Breakthrough Genomics
Classification: Benign. Review status: criteria provided, single submitter. Criteria: ACMG Guidelines, 2015. Collection method: not provided. Allele origin: germline. Inheritance: Autosomal recessive inheritance. Affected: yes.